The following is an entry in ClinVar:

ClinVar aggregate classification (germline): Uncertain significance (1 of 4 stars; one submission).

Conditions:
Neurodevelopmental disorder with cataracts, poor growth, and dysmorphic facies. Identifiers: MedGen C5231414, MONDO:0032817, OMIM 618571.

gnomAD v4.1: 34 of 1,610,698 alleles (0.0021%); highest among the groups gnomAD compares: Non-Finnish European, 0.0022%; no homozygotes.

Submission:

Laboratorio de Genetica e Diagnostico Molecular, Hospital Israelita Albert Einstein
Classification: Uncertain significance for Neurodevelopmental disorder with cataracts, poor growth, and dysmorphic facies. Last evaluated: 2024-09-19. Review status: criteria provided, single submitter. Criteria: ACMG Guidelines, 2015. Collection method: clinical testing. Allele origin: germline. Affected: yes.
Comment: ACMG classification criteria: PM2 supporting, BP4 supporting

NM_001080453.3(INTS1):c.1727G>A (p.Arg576His)

Gene: INTS1 (integrator complex subunit 1; minus strand). Cytogenetic location: 7p22.3.
Variant type: single nucleotide variant.
Coding change: c.1727G>A on transcript NM_001080453.3 (MANE Select); coding-DNA position 1727, G replaced by A.
Protein change: p.Arg576His; replaces arginine 576 with histidine.
Molecular consequence: missense variant.
Genome position (GRCh38, 1-based): chr7:1,495,538, C>T on the plus strand (G>A on the coding strand, the complement: INTS1 is on the minus strand). VCF-style: chr7-1495538-C-T. GRCh37 (hg19) VCF-style: chr7-1535174-C-T.
Other names: short protein forms R576H.
Identifiers: ClinVar variation 4056796 (VCV004056796.1).